The following is an entry in ClinVar:

NM_003872.3(NRP2):c.1691A>G (p.Asp564Gly)

Gene: NRP2 (neuropilin 2; plus strand). Cytogenetic location: 2q33.3.
Variant type: single nucleotide variant.
Coding change: c.1691A>G on transcript NM_003872.3 (MANE Select); coding-DNA position 1691, A replaced by G.
Protein change: p.Asp564Gly; replaces aspartic acid 564 with glycine.
Molecular consequence: missense variant.
Genome position (GRCh38, 1-based): chr2:205,745,795, A>G. VCF-style: chr2-205745795-A-G. GRCh37 (hg19) VCF-style: chr2-206610519-A-G.
Other names: c.1691A>G, p.Asp564Gly (NM_018534.4, NM_201266.2, NM_201267.2 and 1 more transcripts); short protein forms D564G.
Identifiers: ClinVar variation 3357158 (VCV003357158.1).
Genomic context (GRCh38, chr2:205,745,795, plus strand): 5'-TCTCCCTGCAGCTGTTCGAAGGGAACATGCACTATGACACCCCTGACATCCGAAGGTTTG[A>G]CCCCATTCCGGCACAGTATGTGCGGGTATACCCGGAGAGGTGGTCGCCGGCGGGGATTGG-3'
Protein context (NP_003863.2, residues 554-574): HYDTPDIRRF[Asp564Gly]PIPAQYVRVY

ClinVar aggregate classification (germline): Uncertain significance (0 of 4 stars; one submission).

Conditions:
NRP2-related disorder. Also called: NRP2-related condition.

gnomAD v4.1: 2 of 1,614,014 alleles (0.00012%); highest among the groups gnomAD compares: African/African-American, 0.0027%; no homozygotes.

Submission:

PreventionGenetics, part of Exact Sciences
Classification: Uncertain significance for NRP2-related condition. Last evaluated: 2023-12-13. Review status: no assertion criteria provided. Collection method: clinical testing. Allele origin: germline.
Comment: The NRP2 c.1691A>G variant is predicted to result in the amino acid substitution p.Asp564Gly. To our knowledge, this variant has not been reported in the literature. This variant is reported in 0.012% of alleles in individuals of African descent in gnomAD. At this time, the clinical significance of this variant is uncertain due to the absence of conclusive functional and genetic evidence.